The following is an entry in ClinVar:

ClinVar aggregate classification (germline): Uncertain significance (1 of 4 stars; one submission).

Conditions:
Cowden syndrome 6 (CWS6). Identifiers: Orphanet 201, MedGen C3554519, MONDO:0014048, OMIM 615109.

Allele frequency attached by ClinVar (database versions not stated): gnomAD exomes below 0.00001.
gnomAD v4.1: 1 of 1,610,986 alleles (0.000062%); highest among the groups gnomAD compares: South Asian, 0.0011%; no homozygotes.

Submission:

Labcorp Genetics (formerly Invitae), Labcorp
Classification: Uncertain significance for Cowden syndrome 6. Last evaluated: 2018-06-13. Review status: criteria provided, single submitter. Criteria: Invitae Variant Classification Sherloc (09022015). Collection method: clinical testing. Allele origin: germline.
Comment: Algorithms developed to predict the effect of missense changes on protein structure and function are either unavailable or do not agree on the potential impact of this missense change (SIFT: "Tolerated"; PolyPhen-2: "Possibly Damaging"; Align-GVGD: "Class C0"). This variant has not been reported in the literature in individuals with AKT1-related disease. This variant is not present in population databases (ExAC no frequency). This sequence change replaces aspartic acid with asparagine at codon 387 of the AKT1 protein (p.Asp387Asn). The aspartic acid residue is moderately conserved and there is a small physicochemical difference between aspartic acid and asparagine. In summary, the available evidence is currently insufficient to determine the role of this variant in disease. Therefore, it has been classified as a Variant of Uncertain Significance.

NM_001382430.1(AKT1):c.1159G>A (p.Asp387Asn)

Gene: AKT1 (AKT serine/threonine kinase 1; minus strand). Cytogenetic location: 14q32.33.
Variant type: single nucleotide variant.
Coding change: c.1159G>A on transcript NM_001382430.1 (MANE Select); coding-DNA position 1159, G replaced by A.
Protein change: p.Asp387Asn; replaces aspartic acid 387 with asparagine.
Molecular consequence: missense variant.
Genome position (GRCh38, 1-based): chr14:104,772,891, C>T on the plus strand (G>A on the coding strand, the complement: AKT1 is on the minus strand). VCF-style: chr14-104772891-C-T. GRCh37 (hg19) VCF-style: chr14-105239228-C-T.
Other names: c.1159G>A, p.Asp387Asn (NM_001014431.2, NM_001014432.2, NM_001382431.1 and 3 more transcripts); short protein forms D387N.
Identifiers: ClinVar variation 576796 (VCV000576796.8), dbSNP rs1566816289, ClinGen allele CA391216555.